The following is an entry in ClinVar:

ClinVar aggregate classification (germline): Uncertain significance (1 of 4 stars; one submission).

Conditions:
Actin accumulation myopathy (CMYO2A). Also called: Nemaline myopathy type 3; Myopathy, actin, congenital, with cores; Nemaline myopathy 3, with intranuclear rods; Myopathy, actin, congenital, with excess of thin myofilaments; CONGENITAL MYOPATHY 2A, TYPICAL, AUTOSOMAL DOMINANT. Identifiers: Orphanet 98904, MedGen C3711389, MONDO:0008070, OMIM 161800.

gnomAD v4.1: 3 of 1,613,776 alleles (0.00019%); highest among the groups gnomAD compares: Non-Finnish European, 0.00025%; no homozygotes.

Submission:

Labcorp Genetics (formerly Invitae), Labcorp
Classification: Uncertain significance for Actin accumulation myopathy. Last evaluated: 2025-03-05. Review status: criteria provided, single submitter. Criteria: Invitae Variant Classification Sherloc (09022015). Collection method: clinical testing. Allele origin: germline.
Comment: This sequence change replaces glutamic acid, which is acidic and polar, with alanine, which is neutral and non-polar, at codon 363 of the ACTA1 protein (p.Glu363Ala). This variant is not present in population databases (gnomAD no frequency). This variant has not been reported in the literature in individuals affected with ACTA1-related conditions. Invitae Evidence Modeling of protein sequence and biophysical properties (such as structural, functional, and spatial information, amino acid conservation, physicochemical variation, residue mobility, and thermodynamic stability) indicates that this missense variant is not expected to disrupt ACTA1 protein function with a negative predictive value of 80%. In summary, the available evidence is currently insufficient to determine the role of this variant in disease. Therefore, it has been classified as a Variant of Uncertain Significance.

NM_001100.4(ACTA1):c.1088A>C (p.Glu363Ala)

Gene: ACTA1 (actin alpha 1, skeletal muscle; minus strand). Cytogenetic location: 1q42.13.
Variant type: single nucleotide variant.
Coding change: c.1088A>C on transcript NM_001100.4 (MANE Select); coding-DNA position 1088, A replaced by C.
Protein change: p.Glu363Ala; replaces glutamic acid 363 with alanine.
Molecular consequence: missense variant.
Genome position (GRCh38, 1-based): chr1:229,431,545, T>G on the plus strand (A>C on the coding strand, the complement: ACTA1 is on the minus strand). VCF-style: chr1-229431545-T-G. GRCh37 (hg19) VCF-style: chr1-229567292-T-G.
Other names: short protein forms E363A.
Identifiers: ClinVar variation 4806471 (VCV004806471.1).
Genomic context (GRCh38, chr1:229,431,545, plus strand): 5'-GAGGTGGAGTGTGTCTAGAAGCATTTGCGGTGGACGATGGAAGGGCCGGCCTCGTCGTAC[T>G]CCTGCTTGGTGATCCACATCTGCTGGAAGGTGGACAGCGAGGCCAGGATGGAGCCGCCGA-3'
Protein context (NP_001091.1, residues 353-373): TFQQMWITKQ[Glu363Ala]YDEAGPSIVH